The following is an entry in ClinVar:

ClinVar aggregate classification (germline): Uncertain significance (1 of 4 stars; one submission).

Conditions:
Long QT syndrome (LQTS). Identifiers: MedGen C0023976, MeSH D008133, MONDO:0002442. Disease mechanism: loss of function. Inheritance: Various modes of inheritance.

gnomAD v4.1: 1 of 1,546,034 alleles (0.000065%); highest among the groups gnomAD compares: African/African-American, 0.0014%; no homozygotes.

Submission:

All of Us Research Program, National Institutes of Health
Classification: Uncertain significance for Long QT syndrome. Last evaluated: 2024-07-29. Review status: criteria provided, single submitter. Criteria: ACMG Guidelines, 2015. Collection method: clinical testing. Allele origin: germline. Inheritance: Autosomal dominant inheritance. Observed: 1 variant allele, 1 heterozygote.
Comment: This missense variant replaces aspartic acid with histidine at codon 673 of the KCNQ1 protein. Computational prediction is inconclusive regarding the impact of this variant on protein structure and function (internally defined REVEL score threshold 0.5 < inconclusive < 0.7, PMID: 27666373). To our knowledge, functional studies have not been reported for this variant. This variant has not been reported in individuals affected with KCNQ1-related disorders in the literature. This variant has not been identified in the general population by the Genome Aggregation Database (gnomAD). The available evidence is insufficient to determine the role of this variant in disease conclusively. Therefore, this variant is classified as a Variant of Uncertain Significance.

This study involves interpretation of variants in research participants for the purpose of population health screening. Participant phenotype was not available at the time of variant classification. Additional details can be found in publication PMID: 35346344, PMCID: PMC8962531

NM_000218.3(KCNQ1):c.2017G>C (p.Asp673His)

Genes: KCNQ1 (potassium voltage-gated channel subfamily Q member 1; plus strand), KCNQ1-AS1 (KCNQ1 antisense RNA 1; minus strand). Cytogenetic location: 11p15.4.
Variant type: single nucleotide variant.
Coding change: c.2017G>C on transcript NM_000218.3 (MANE Select); coding-DNA position 2017, G replaced by C.
Protein change: p.Asp673His; replaces aspartic acid 673 with histidine.
Molecular consequence: missense variant.
Genome position (GRCh38, 1-based): chr11:2,847,989, G>C. VCF-style: chr11-2847989-G-C. GRCh37 (hg19) VCF-style: chr11-2869219-G-C.
Other names: c.1921G>C, p.Asp641His (NM_001406836.1); c.1747G>C, p.Asp583His (NM_001406837.1); c.1477G>C, p.Asp493His (NM_001406838.1); c.529G>C, p.Asp177His (NM_001406839.1); c.1636G>C, p.Asp546His (NM_181798.2); short protein forms D177H, D493H, D546H, D583H, D641H, D673H.
Identifiers: ClinVar variation 3386960 (VCV003386960.1).